The following is an entry in ClinVar:

NM_138927.4(SON):c.5301_5316delinsC (p.Ala1768_Val1772del)

Gene: SON (SON DNA and RNA binding protein; plus strand). Cytogenetic location: 21q22.11.
Variant type: Indel.
Coding change: c.5301_5316delinsC on transcript NM_138927.4 (MANE Select); coding-DNA positions 5301 to 5316, TGCCAGCCCGGTTGTA replaced by C.
Protein change: p.Ala1768_Val1772del.
Molecular consequence: inframe deletion. On other transcripts: inframe indel (3), non-coding transcript variant (1), intron variant (1).
Genome position (GRCh38, 1-based): chr21:33,554,532-33,554,547, TGCCAGCCCGGTTGTA replaced by C. VCF-style: chr21-33554532-TGCCAGCCCGGTTGTA-C. GRCh37 (hg19) VCF-style: chr21-34926838-TGCCAGCCCGGTTGTA-C.
Other names: c.5301_5316delinsC (NM_138927.2); c.5301_5316delinsC, p.Ala1768_Val1772del (NM_001291411.2, NM_032195.3); c.5301_5316del16insC, p.Ala1768_Val1772del (NM_001412133.1, NM_058183.2, NM_138926.1); c.245-2624_245-2609delinsC (NM_001291412.3).
Identifiers: ClinVar variation 1800513 (VCV001800513.5), dbSNP rs2517389708, ClinGen allele CA2580098593.

ClinVar aggregate classification (germline): Uncertain significance. Review status: criteria provided, multiple submitters, no conflicts (2 of 4 stars). 3 submissions from 3 submitters: Uncertain significance (3). Last evaluated 2026-08-17.

Conditions:
SON-related disorder. Also called: SON-related condition.
ZTTK syndrome (ZTTKS). Also called: Zhu-Tokita-Takenouchi-Kim Syndrome; ZTTK MULTIPLE CONGENITAL ANOMALIES-MENTAL RETARDATION SYNDROME. Identifiers: Orphanet 500150, MedGen C4310696, MONDO:0014936, OMIM 617140.

Submissions (3):

GeneDx
Classification: Uncertain significance. Last evaluated: 2026-08-17. Review status: criteria provided, single submitter. Criteria: GeneDx Variant Classification Process June 2021. Collection method: clinical testing. Allele origin: germline.
Comment: In-frame deletion of 5 amino acids in a non-repeat region; In silico analysis supports a deleterious effect on protein structure/function; Has not been previously published as pathogenic or benign to our knowledge

PreventionGenetics, part of Exact Sciences
Classification: Uncertain significance for SON-related condition. Last evaluated: 2025-12-23. Review status: criteria provided, single submitter. Criteria: ACMG Guidelines, 2015. Collection method: clinical testing. Allele origin: germline.
Comment: The SON c.5301_5316delinsC variant is predicted to result in an in-frame deletion and insertion. which is predicted to result in an in-frame deletion of 5 amino acid residues (p.Ala1768_Val1772del). The deleted amino acids are not highly conserved residues (Alamut Visual Plus v.1.6.1). To our knowledge, this variant has not been reported in the literature or in a large population database (gnomAD), indicating this variant is rare. At this time, the clinical significance of this variant is uncertain due to the absence of conclusive functional and genetic evidence.

Revvity Omics, Revvity
Classification: Uncertain significance for ZTTK syndrome. Last evaluated: 2023-04-27. Review status: criteria provided, single submitter. Criteria: ACMG Guidelines, 2015. Collection method: clinical testing. Allele origin: germline.